The following is an entry in ClinVar:

NM_001267550.2(TTN):c.101045T>C (p.Val33682Ala)

Genes: TTN (titin; minus strand), TTN-AS1 (TTN antisense RNA 1; plus strand). Cytogenetic location: 2q31.2.
Variant type: single nucleotide variant.
Coding change: c.101045T>C on transcript NM_001267550.2 (MANE Select); coding-DNA position 101045, T replaced by C.
Protein change: p.Val33682Ala; replaces valine 33682 with alanine.
Molecular consequence: missense variant.
Genome position (GRCh38, 1-based): chr2:178,535,570, A>G on the plus strand (T>C on the coding strand, the complement: TTN is on the minus strand). VCF-style: chr2-178535570-A-G. GRCh37 (hg19) VCF-style: chr2-179400297-A-G.
Other names: c.96122T>C, p.Val32041Ala (NM_001256850.1); c.73850T>C, p.Val24617Ala (NM_003319.4); c.74426T>C, p.Val24809Ala (NM_133437.4); c.93341T>C, p.Val31114Ala (NM_133378.4); c.74225T>C, p.Val24742Ala (NM_133432.3); short protein forms V24617A, V24742A, V24809A, V31114A, V33682A, V32041A.
Identifiers: ClinVar variation 2938950 (VCV002938950.3), dbSNP rs768803095, ClinGen allele CA1985938.

ClinVar aggregate classification (germline): Uncertain significance (1 of 4 stars; one submission).

Conditions:
Dilated cardiomyopathy 1G (CMD1G). Identifiers: Orphanet 154, MedGen C1858763, MONDO:0011400, OMIM 604145.
Autosomal recessive limb-girdle muscular dystrophy type 2J (LGMDR10). Also called: Limb-girdle muscular dystrophy, type 2J; MUSCULAR DYSTROPHY, LIMB-GIRDLE, AUTOSOMAL RECESSIVE 10. Identifiers: Orphanet 140922, MedGen C1837342, MONDO:0012127, OMIM 608807.

Allele frequency attached by ClinVar (database versions not stated): gnomAD exomes below 0.00001; ExAC 0.00001.
gnomAD v4.1: 2 of 1,613,892 alleles (0.00012%); highest among the groups gnomAD compares: South Asian, 0.0011%; no homozygotes.

Submission:

Labcorp Genetics (formerly Invitae), Labcorp
Classification: Uncertain significance for Dilated cardiomyopathy 1G; Autosomal recessive limb-girdle muscular dystrophy type 2J. Last evaluated: 2024-02-16. Review status: criteria provided, single submitter. Criteria: Invitae Variant Classification Sherloc (09022015). Collection method: clinical testing. Allele origin: germline.
Comment: This sequence change replaces valine, which is neutral and non-polar, with alanine, which is neutral and non-polar, at codon 33682 of the TTN protein (p.Val33682Ala). This variant is present in population databases (rs768803095, gnomAD 0.0009%). This variant has not been reported in the literature in individuals affected with TTN-related conditions. Experimental studies and prediction algorithms are not available or were not evaluated, and the functional significance of this variant is currently unknown. This variant is located in the M band of TTN (PMID: 25589632). Non-truncating variants in this region may be relevant for neuromuscular disorders, but have not been definitively shown to cause cardiomyopathy (PMID: 23975875). In summary, the available evidence is currently insufficient to determine the role of this variant in disease. Therefore, it has been classified as a Variant of Uncertain Significance.

Literature cited by the submitters: PubMed 25589632; PubMed 23975875.